The following is an entry in ClinVar:

ClinVar aggregate classification (germline): Uncertain significance. Review status: criteria provided, single submitter (1 of 4 stars). 2 submissions from 2 submitters: Uncertain significance (1). 1 of the submissions does not count toward it. Last evaluated 2025-08-20.

Conditions:
SPTBN5-related disorder. Also called: SPTBN5-related condition.

Allele frequency attached by ClinVar (database versions not stated): gnomAD exomes 0.00026; ExAC 0.00123; ESP Exome Variant Server 0.00137; gnomAD 0.00314; TOPMed 0.00344; 1000 Genomes Project 0.00459; 1000 Genomes Project 30x 0.00547.
gnomAD v4.1: 885 of 1,537,198 alleles (0.058%); highest among the groups gnomAD compares: African/African-American, 1%; 11 homozygotes.

Submissions (2):

Ambry Genetics
Classification: Uncertain significance. Last evaluated: 2025-08-20. Review status: criteria provided, single submitter. Criteria: Ambry Variant Classification Scheme 2023. Collection method: clinical testing. Allele origin: germline.

PreventionGenetics, part of Exact Sciences
Classification: Benign for SPTBN5-related condition. Last evaluated: 2019-06-11. Review status: no assertion criteria provided. Collection method: clinical testing. Allele origin: germline. Not counted in ClinVar's aggregate classification.
Comment: This variant is classified as benign based on ACMG/AMP sequence variant interpretation guidelines (Richards et al. 2015 PMID: 25741868, with internal and published modifications).

NM_016642.4(SPTBN5):c.6328G>A (p.Glu2110Lys)

Gene: SPTBN5 (spectrin beta, non-erythrocytic 5; minus strand). Cytogenetic location: 15q15.1.
Variant type: single nucleotide variant.
Coding change: c.6328G>A on transcript NM_016642.4 (MANE Select); coding-DNA position 6328, G replaced by A.
Protein change: p.Glu2110Lys; replaces glutamic acid 2110 with lysine.
Molecular consequence: missense variant.
Genome position (GRCh38, 1-based): chr15:41,867,111, C>T on the plus strand (G>A on the coding strand, the complement: SPTBN5 is on the minus strand). VCF-style: chr15-41867111-C-T. GRCh37 (hg19) VCF-style: chr15-42159309-C-T.
Other names: c.6223G>A (NM_016642.2); short protein forms E2110K.
Identifiers: ClinVar variation 3034159 (VCV003034159.3), dbSNP rs61745978, ClinGen allele CA7502637.